The following is an entry in ClinVar:

ClinVar aggregate classification (germline): Uncertain significance. Review status: criteria provided, multiple submitters, no conflicts (2 of 4 stars). 2 submissions from 2 submitters: Uncertain significance (2). Last evaluated 2021-08-31.

Conditions:
Inborn genetic diseases. Identifiers: MedGen C0950123, MeSH D030342.
Developmental and epileptic encephalopathy, 12 (DEE12). Identifiers: MedGen C3150988, MONDO:0013389, OMIM 613722.

Allele frequency attached by ClinVar (database versions not stated): gnomAD exomes below 0.00001.
gnomAD v4.1: 3 of 1,613,066 alleles (0.00019%); highest among the groups gnomAD compares: Non-Finnish European, 0.00025%; no homozygotes.

Submissions (2):

Labcorp Genetics (formerly Invitae), Labcorp
Classification: Uncertain significance for Developmental and epileptic encephalopathy, 12. Last evaluated: 2021-08-31. Review status: criteria provided, single submitter. Criteria: Invitae Variant Classification Sherloc (09022015). Collection method: clinical testing. Allele origin: germline.

Ambry Genetics
Classification: Uncertain significance for Inborn genetic diseases. Last evaluated: 2018-06-20. Review status: criteria provided, single submitter. Criteria: Ambry Variant Classification Scheme 2023. Collection method: clinical testing. Allele origin: germline.
Comment: The p.I261V variant (also known as c.781A>G), located in coding exon 9 of the PLCB1 gene, results from an A to G substitution at nucleotide position 781. The isoleucine at codon 261 is replaced by valine, an amino acid with highly similar properties. This amino acid position is well conserved in available vertebrate species; however, valine is the reference amino acid in other vertebrate species. In addition, this alteration is predicted to be tolerated by in silico analysis. Since supporting evidence is limited at this time, the clinical significance of this alteration remains unclear.

NM_015192.4(PLCB1):c.781A>G (p.Ile261Val)

Gene: PLCB1 (phospholipase C beta 1; plus strand). Cytogenetic location: 20p12.3.
Variant type: single nucleotide variant.
Coding change: c.781A>G on transcript NM_015192.4 (MANE Select); coding-DNA position 781, A replaced by G.
Protein change: p.Ile261Val; replaces isoleucine 261 with valine.
Molecular consequence: missense variant.
Genome position (GRCh38, 1-based): chr20:8,658,623, A>G. VCF-style: chr20-8658623-A-G. GRCh37 (hg19) VCF-style: chr20-8639270-A-G.
Other names: c.781A>G, p.Ile261Val (NM_182734.3); short protein forms I261V.
Identifiers: ClinVar variation 576641 (VCV000576641.8), dbSNP rs1568549591, ClinGen allele CA408264230.